The following is an entry in ClinVar:

NM_001261826.3(AP3D1):c.2423+5G>A

Gene: AP3D1 (adaptor related protein complex 3 subunit delta 1; minus strand). Cytogenetic location: 19p13.3.
Variant type: single nucleotide variant.
Coding change: c.2423+5G>A on transcript NM_001261826.3 (MANE Select); 5 bases into the intron after coding-DNA position 2423, G replaced by A.
Molecular consequence: intron variant.
Genome position (GRCh38, 1-based): chr19:2,114,743, C>T on the plus strand (G>A on the coding strand, the complement: AP3D1 is on the minus strand). VCF-style: chr19-2114743-C-T. GRCh37 (hg19) VCF-style: chr19-2114742-C-T.
Other names: c.2423+5G>A (NM_003938.8, NM_001374799.1).
Identifiers: ClinVar variation 2822618 (VCV002822618.3), dbSNP rs2512149926, ClinGen allele CA2739276345.

ClinVar aggregate classification (germline): Uncertain significance (1 of 4 stars; one submission).

Submission:

Labcorp Genetics (formerly Invitae), Labcorp
Classification: Uncertain significance. Last evaluated: 2022-12-20. Review status: criteria provided, single submitter. Criteria: Invitae Variant Classification Sherloc (09022015). Collection method: clinical testing. Allele origin: germline.
Comment: In summary, the available evidence is currently insufficient to determine the role of this variant in disease. Therefore, it has been classified as a Variant of Uncertain Significance. Variants that disrupt the consensus splice site are a relatively common cause of aberrant splicing (PMID: 17576681, 9536098). Algorithms developed to predict the effect of sequence changes on RNA splicing suggest that this variant may disrupt the consensus splice site. This variant has not been reported in the literature in individuals affected with AP3D1-related conditions. This variant is not present in population databases (gnomAD no frequency). This sequence change falls in intron 21 of the AP3D1 gene. It does not directly change the encoded amino acid sequence of the AP3D1 protein. It affects a nucleotide within the consensus splice site.

Literature cited by the submitters: PubMed 17576681; PubMed 9536098.